The following is an entry in ClinVar:

ClinVar aggregate classification (germline): Uncertain significance (1 of 4 stars; one submission).

Conditions:
Inborn genetic diseases. Identifiers: MedGen C0950123, MeSH D030342.

gnomAD v4.1: 1 of 1,614,164 alleles (0.000062%); highest among the groups gnomAD compares: Non-Finnish European, 0.000085%; no homozygotes.

Submission:

Ambry Genetics
Classification: Uncertain significance for Inborn genetic diseases. Last evaluated: 2021-09-12. Review status: criteria provided, single submitter. Criteria: Ambry Variant Classification Scheme 2023. Collection method: clinical testing. Allele origin: germline.
Comment: The p.V447M variant (also known as c.1339G>A), located in coding exon 15 of the SPTLC1 gene, results from a G to A substitution at nucleotide position 1339. The valine at codon 447 is replaced by methionine, an amino acid with highly similar properties. This amino acid position is conserved. In addition, the in silico prediction for this alteration is inconclusive. Since supporting evidence is limited at this time, the clinical significance of this alteration remains unclear.

NM_006415.4(SPTLC1):c.1339G>A (p.Val447Met)

Gene: SPTLC1 (serine palmitoyltransferase long chain base subunit 1; minus strand). Cytogenetic location: 9q22.31.
Variant type: single nucleotide variant.
Coding change: c.1339G>A on transcript NM_006415.4 (MANE Select); coding-DNA position 1339, G replaced by A.
Protein change: p.Val447Met; replaces valine 447 with methionine.
Molecular consequence: missense variant. On other transcripts: intron variant (1).
Genome position (GRCh38, 1-based): chr9:92,032,548, C>T on the plus strand (G>A on the coding strand, the complement: SPTLC1 is on the minus strand). VCF-style: chr9-92032548-C-T. GRCh37 (hg19) VCF-style: chr9-94794830-C-T.
Other names: c.973G>A, p.Val325Met (NM_001368272.1); c.874G>A, p.Val292Met (NM_001368273.1); c.1329-22G>A (NM_001281303.2); short protein forms V292M, V325M, V447M.
Identifiers: ClinVar variation 1770304 (VCV001770304.2), dbSNP rs752266889, ClinGen allele CA373789212.
Genomic context (GRCh38, chr9:92,032,548, plus strand): 5'-CCTCCTTGATGGTGGACGCAGCTCTCTCCAGTTCTTCCTCTGTTTGTTCCACCGTGACCA[C>T]AACCCGAATGCTGAGAACAGTAAAGGACACAAAGAATTATCTTTGTGGGCCAGGCGCAGT-3'
Protein context (NP_006406.1, residues 437-457): KCLPPPSIRV[Val447Met]VTVEQTEEEL